The following is an entry in ClinVar:

NM_000038.6(APC):c.3027T>C (p.His1009=)

Gene: APC (APC regulator of Wnt signaling pathway; plus strand). Cytogenetic location: 5q22.2.
Variant type: single nucleotide variant.
Coding change: c.3027T>C on transcript NM_000038.6 (MANE Select); coding-DNA position 3027, T replaced by C.
Protein change: p.His1009=; no amino-acid change (histidine 1009 retained).
Molecular consequence: synonymous variant.
Genome position (GRCh38, 1-based): chr5:112,838,621, T>C. VCF-style: chr5-112838621-T-C. GRCh37 (hg19) VCF-style: chr5-112174318-T-C.
Other names: c.3027T>C, p.His1009= (NM_001127510.3, NM_001354895.2); c.2973T>C, p.His991= (NM_001127511.3); c.3081T>C, p.His1027= (NM_001354896.2); c.3057T>C, p.His1019= (NM_001354897.2); c.2952T>C, p.His984= (NM_001354898.2); c.2943T>C, p.His981= (NM_001354899.2); c.2904T>C, p.His968= (NM_001354900.2); c.2850T>C, p.His950= (NM_001354901.2); and 5 more.
Identifiers: ClinVar variation 391500 (VCV000391500.19), dbSNP rs938418357, ClinGen allele CA16605154.

ClinVar aggregate classification (germline): Benign/Likely benign. Review status: criteria provided, multiple submitters, no conflicts (2 of 4 stars). 5 submissions from 5 submitters: Benign (1); Likely benign (4). Last evaluated 2025-10-25.

Conditions:
Hereditary cancer-predisposing syndrome. Also called: Neoplastic Syndromes, Hereditary; Hereditary Cancer Syndrome; Tumor predisposition; Hereditary neoplastic syndrome. Identifiers: Orphanet 140162, MedGen C0027672, MeSH D009386, MONDO:0015356.
Familial adenomatous polyposis 1 (FAP1). Also called: FAMILIAL ADENOMATOUS POLYPOSIS 1, ATTENUATED; POLYPOSIS, ADENOMATOUS INTESTINAL. Identifiers: MedGen C2713442, MONDO:0021056, OMIM 175100. Disease mechanism: loss of function.

Allele frequency attached by ClinVar (database versions not stated): gnomAD exomes below 0.00001; TOPMed below 0.00001; gnomAD 0.00001.
gnomAD v4.1: 6 of 1,614,010 alleles (0.00037%); highest among the groups gnomAD compares: African/African-American, 0.0013%; no homozygotes.

Submissions (5):

Labcorp Genetics (formerly Invitae), Labcorp
Classification: Likely benign for Familial adenomatous polyposis 1. Last evaluated: 2025-10-25. Review status: criteria provided, single submitter. Criteria: Invitae Variant Classification Sherloc (09022015). Collection method: clinical testing. Allele origin: germline.

Myriad Genetics, Inc.
Classification: Benign for Familial adenomatous polyposis 1. Last evaluated: 2024-03-15. Review status: criteria provided, single submitter. Criteria: Myriad Autosomal Dominant, Autosomal Recessive and X-Linked Classification Criteria (2023). Collection method: clinical testing. Allele origin: unknown.
Comment: This variant is considered benign. This variant is a silent/synonymous amino acid change and it is not expected to impact splicing.

Color Diagnostics, LLC DBA Color Health
Classification: Likely benign for Hereditary cancer-predisposing syndrome. Last evaluated: 2018-10-01. Review status: criteria provided, single submitter. Criteria: ACMG Guidelines, 2015. Collection method: clinical testing. Allele origin: germline.

GeneDx
Classification: Likely benign. Last evaluated: 2016-12-05. Review status: criteria provided, single submitter. Criteria: GeneDx Variant Classification (06012015). Collection method: clinical testing. Allele origin: germline. Affected: yes.
Comment: This variant is considered likely benign or benign based on one or more of the following criteria: it is a conservative change, it occurs at a poorly conserved position in the protein, it is predicted to be benign by multiple in silico algorithms, and/or has population frequency not consistent with disease.

Ambry Genetics
Classification: Likely benign for Hereditary cancer-predisposing syndrome. Last evaluated: 2016-01-04. Review status: criteria provided, single submitter. Criteria: Ambry Variant Classification Scheme 2023. Collection method: clinical testing. Allele origin: germline.